The following is an entry in ClinVar:

NM_002645.4(PIK3C2A):c.1741G>A (p.Val581Ile)

Gene: PIK3C2A (phosphatidylinositol-4-phosphate 3-kinase catalytic subunit type 2 alpha; minus strand). Cytogenetic location: 11p15.1.
Variant type: single nucleotide variant.
Coding change: c.1741G>A on transcript NM_002645.4 (MANE Select); coding-DNA position 1741, G replaced by A.
Protein change: p.Val581Ile; replaces valine 581 with isoleucine.
Molecular consequence: missense variant.
Genome position (GRCh38, 1-based): chr11:17,136,589, C>T on the plus strand (G>A on the coding strand, the complement: PIK3C2A is on the minus strand). VCF-style: chr11-17136589-C-T. GRCh37 (hg19) VCF-style: chr11-17158136-C-T.
Other names: c.1741G>A, p.Val581Ile (NM_001321378.2, NM_001386870.1); c.601G>A, p.Val201Ile (NM_001321380.2); short protein forms V201I, V581I.
Identifiers: ClinVar variation 3776472 (VCV003776472.1).
Genomic context (GRCh38, chr11:17,136,589, plus strand): 5'-TTACTGATTCTGTAATGGCAAGAGTCTCGACACCATCTAAAGCACTACAGATTTTTCTTA[C>T]AGCTTTAATTACTTGATCTACTGCTCGGTGTTGGTTCTTTAAAAATAAAAAATAAAATAA-3'
Protein context (NP_002636.2, residues 571-591): HRAVDQVIKA[Val581Ile]RKICSALDGV

ClinVar aggregate classification (germline): Uncertain significance (1 of 4 stars; one submission).

gnomAD v4.1: 1 of 1,592,474 alleles (0.000063%); highest among the groups gnomAD compares: Admixed American, 0.0017%; no homozygotes.

Submission:

GeneDx
Classification: Uncertain significance. Last evaluated: 2024-10-03. Review status: criteria provided, single submitter. Criteria: GeneDx Variant Classification Process June 2021. Collection method: clinical testing. Allele origin: germline. Affected: yes.
Comment: Not observed at significant frequency in large population cohorts (gnomAD); In silico analysis indicates that this missense variant does not alter protein structure/function; Has not been previously published as pathogenic or benign to our knowledge